The following is an entry in ClinVar:

ClinVar aggregate classification (germline): Conflicting classifications of pathogenicity. Review status: criteria provided, conflicting classifications (1 of 4 stars). 4 submissions from 4 submitters: Uncertain significance (1); Benign (2); Likely benign (1). Last evaluated 2025-11-02.

Conditions:
Seckel syndrome 7 (SCKL7). Identifiers: Orphanet 319675, MedGen C3553870, MONDO:0013922, OMIM 614851.

Allele frequency attached by ClinVar (database versions not stated): TOPMed 0.00007; 1000 Genomes Project 30x 0.00047; 1000 Genomes Project 0.00060.
gnomAD v4.1: 825 of 1,612,054 alleles (0.051%); highest among the groups gnomAD compares: Middle Eastern, 0.018%; 5 homozygotes.

Submissions (4):

Labcorp Genetics (formerly Invitae), Labcorp
Classification: Benign. Last evaluated: 2025-11-02. Review status: criteria provided, single submitter. Criteria: Invitae Variant Classification Sherloc (09022015). Collection method: clinical testing. Allele origin: germline.

Women's Health and Genetics/Laboratory Corporation of America, LabCorp
Classification: Benign. Last evaluated: 2025-05-14. Review status: criteria provided, single submitter. Criteria: LabCorp Variant Classification Summary - May 2015. Collection method: clinical testing. Allele origin: germline.
Comment: Variant summary: NIN c.5912C>A (p.Pro1971Gln) results in a non-conservative amino acid change in the encoded protein sequence. Algorithms developed to predict the effect of missense changes on protein structure and function are either unavailable or do not agree on the potential impact of this missense change. The variant allele was found at a frequency of 0.00051 in 1605434 control chromosomes, predominantly at a frequency of 0.0095 within the Finnish subpopulation in the gnomAD database (v4.1 dataset), including 4 homozygotes. The observed variant frequency within Finnish control individuals in the gnomAD database exceeds the estimated maximal expected allele frequency for a pathogenic variant in NIN causing Seckel Syndrome 7 phenotype. To our knowledge, no occurrence of c.5912C>A in individuals affected with Seckel Syndrome 7 and no experimental evidence demonstrating its impact on protein function have been reported. ClinVar contains an entry for this variant (Variation ID: 734344). Based on the evidence outlined above, the variant was classified as benign.

CeGaT Center for Human Genetics Tuebingen
Classification: Likely benign. Last evaluated: 2023-01-01. Review status: criteria provided, single submitter. Criteria: CeGaT Center For Human Genetics Tuebingen Variant Classification Criteria Version 2. Collection method: clinical testing. Allele origin: germline. Affected: yes. Observed: 1 variant allele.
Comment: NIN: BP4, BS2

Baylor Genetics
Classification: Uncertain significance for Seckel syndrome 7. Last evaluated: 2018-03-20. Review status: criteria provided, single submitter. Criteria: ACMG Guidelines, 2015. Collection method: clinical testing. Allele origin: unknown. Affected: yes.
Comment: This variant was determined to be of uncertain significance according to ACMG Guidelines, 2015 [PMID:25741868].

NM_020921.4(NIN):c.5912C>A (p.Pro1971Gln)

Gene: NIN (ninein; minus strand). Cytogenetic location: 14q22.1.
Variant type: single nucleotide variant.
Coding change: c.5912C>A on transcript NM_020921.4 (MANE Select); coding-DNA position 5912, C replaced by A.
Protein change: p.Pro1971Gln; replaces proline 1971 with glutamine.
Molecular consequence: missense variant.
Genome position (GRCh38, 1-based): chr14:50,729,689, G>T on the plus strand (C>A on the coding strand, the complement: NIN is on the minus strand). VCF-style: chr14-50729689-G-T. GRCh37 (hg19) VCF-style: chr14-51196407-G-T.
Other names: c.3773C>A, p.Pro1258Gln (NM_016350.5); c.5912C>A, p.Pro1971Gln (NM_182944.3, NM_182946.2); short protein forms P1258Q, P1971Q.
Identifiers: ClinVar variation 734344 (VCV000734344.31), dbSNP rs200441923, ClinGen allele CA7181083.